The following is an entry in ClinVar:

ClinVar aggregate classification (germline): Likely benign. Review status: criteria provided, multiple submitters, no conflicts (2 of 4 stars). 3 submissions from 3 submitters: Likely benign (3). Last evaluated 2024-08-27.

Conditions:
Retinoblastoma (RB1). Also called: RETINOBLASTOMA, SOMATIC. Identifiers: Orphanet 790, MedGen C0035335, MeSH D012175, MONDO:0008380, OMIM 180200, HP:0009919. Disease mechanism: loss of function. Inheritance: Both sporadic and heritable forms are tested..

gnomAD v4.1: 2 of 1,557,392 alleles (0.00013%); highest among the groups gnomAD compares: Non-Finnish European, 0.00017%; no homozygotes.

Submissions (3):

Labcorp Genetics (formerly Invitae), Labcorp
Classification: Likely benign for Retinoblastoma. Last evaluated: 2024-08-27. Review status: criteria provided, single submitter. Criteria: Invitae Variant Classification Sherloc (09022015). Collection method: clinical testing. Allele origin: germline.

All of Us Research Program, National Institutes of Health
Classification: Likely benign for Retinoblastoma. Last evaluated: 2024-03-24. Review status: criteria provided, single submitter. Criteria: ACMG Guidelines, 2015. Collection method: clinical testing. Allele origin: germline. Inheritance: Autosomal dominant inheritance. Observed: 1 variant allele, 1 heterozygote.
Comment: This study involves interpretation of variants in research participants for the purpose of population health screening. Participant phenotype was not available at the time of variant classification. Additional details can be found in publication PMID: 35346344, PMCID: PMC8962531

Color Diagnostics, LLC DBA Color Health
Classification: Likely benign for Retinoblastoma. Last evaluated: 2024-01-29. Review status: criteria provided, single submitter. Criteria: ACMG Guidelines, 2015. Collection method: clinical testing. Allele origin: germline.

NM_000321.3(RB1):c.1422-8T>C

Gene: RB1 (RB transcriptional corepressor 1; plus strand). Cytogenetic location: 13q14.2.
Variant type: single nucleotide variant.
Coding change: c.1422-8T>C on transcript NM_000321.3 (MANE Select); 8 bases into the intron before coding-DNA position 1422, T replaced by C.
Molecular consequence: intron variant.
Genome position (GRCh38, 1-based): chr13:48,380,157, T>C. VCF-style: chr13-48380157-T-C. GRCh37 (hg19) VCF-style: chr13-48954293-T-C.
Other names: c.1422-8T>C (NM_001407165.1, NM_001407166.1).
Identifiers: ClinVar variation 3387567 (VCV003387567.4).
Genomic context (GRCh38, chr13:48,380,157, plus strand): 5'-CTTTTAGTAAAAAATTTTTTTCTTTTTATAGAAGTAAGTATTTTATAATCTTTTTTTTTT[T>C]CCTTTAGCAAACTTCTGAATGACAACATTTTTCATATGTCTTTATTGGCGTGCGCTCTTG-3'